The following is an entry in ClinVar:

ClinVar aggregate classification (germline): Uncertain significance. Review status: criteria provided, multiple submitters, no conflicts (2 of 4 stars). 3 submissions from 3 submitters: Uncertain significance (3). Last evaluated 2026-07-02.

Conditions:
GNAS-related disorder. Identifiers: MedGen CN380105.

Allele frequency attached by ClinVar (database versions not stated): gnomAD exomes below 0.00001 and 0.00001; ExAC 0.00001; gnomAD 0.00001.
gnomAD v4.1: 14 of 1,614,198 alleles (0.00087%); highest among the groups gnomAD compares: East Asian, 0.0045%; no homozygotes.

Submissions (3):

PreventionGenetics, part of Exact Sciences
Classification: Uncertain significance for GNAS-related condition. Last evaluated: 2026-07-02. Review status: criteria provided, single submitter. Criteria: ACMG Guidelines, 2015. Collection method: clinical testing. Allele origin: germline.
Comment: The GNAS c.1130A>G variant is predicted to result in the amino acid substitution p.Asn377Ser. To our knowledge, this variant has not been reported in the literature. This variant is reported in 0.0050% of alleles in individuals of East Asian descent in gnomAD. At this time, the clinical significance of this variant is uncertain due to the absence of conclusive functional and genetic evidence.

Labcorp Genetics (formerly Invitae), Labcorp
Classification: Uncertain significance. Last evaluated: 2026-02-01. Review status: criteria provided, single submitter. Criteria: Invitae Variant Classification Sherloc (09022015). Collection method: clinical testing. Allele origin: germline.
Comment: This sequence change replaces asparagine, which is neutral and polar, with serine, which is neutral and polar, at codon 377 of the GNAS protein (p.Asn377Ser). This variant is present in population databases (rs764065202, gnomAD 0.005%). This variant has not been reported in the literature in individuals affected with GNAS-related conditions. ClinVar contains an entry for this variant (Variation ID: 1207832). Invitae Evidence Modeling of protein sequence and biophysical properties (such as structural, functional, and spatial information, amino acid conservation, physicochemical variation, residue mobility, and thermodynamic stability) indicates that this missense variant is expected to disrupt GNAS protein function with a positive predictive value of 80%. In summary, the available evidence is currently insufficient to determine the role of this variant in disease. Therefore, it has been classified as a Variant of Uncertain Significance.

GeneDx
Classification: Uncertain significance. Last evaluated: 2019-10-07. Review status: criteria provided, single submitter. Criteria: GeneDx Variant Classification Process June 2021. Collection method: clinical testing. Allele origin: germline. Affected: yes.
Comment: In silico analysis, which includes protein predictors and evolutionary conservation, supports a deleterious effect; Has not been previously published as pathogenic or benign to our knowledge

NM_000516.7(GNAS):c.1130A>G (p.Asn377Ser)

Gene: GNAS (GNAS complex locus; plus strand). Cytogenetic location: 20q13.32.
Variant type: single nucleotide variant.
Coding change: c.1130A>G on transcript NM_000516.7 (MANE Select); coding-DNA position 1130, A replaced by G.
Protein change: p.Asn377Ser; replaces asparagine 377 with serine.
Molecular consequence: missense variant. On other transcripts: 3 prime UTR variant (2).
Genome position (GRCh38, 1-based): chr20:58,910,774, A>G. VCF-style: chr20-58910774-A-G. GRCh37 (hg19) VCF-style: chr20-57485829-A-G.
Other names: c.1133A>G, p.Asn378Ser (NM_001077488.5); c.1085A>G, p.Asn362Ser (NM_001077489.4); c.*991A>G (NM_001077490.3); c.953A>G, p.Asn318Ser (NM_001309840.2, NM_001309861.2); c.*1036A>G (NM_016592.5); c.3059A>G, p.Asn1020Ser (NM_080425.4); c.1088A>G, p.Asn363Ser (NM_080426.4); c.1130A>G (NM_000516.5); short protein forms N1020S, N318S, N362S, N363S, N377S, N378S.
Identifiers: ClinVar variation 1207832 (VCV001207832.5), dbSNP rs764065202, ClinGen allele CA9927325.